The following is an entry in ClinVar:

NM_000342.4(SLC4A1):c.1224C>T (p.Ala408=)

Gene: SLC4A1 (solute carrier family 4 member 1 (Diego blood group); minus strand). Cytogenetic location: 17q21.31.
Variant type: single nucleotide variant.
Coding change: c.1224C>T on transcript NM_000342.4 (MANE Select); coding-DNA position 1224, C replaced by T.
Protein change: p.Ala408=; no amino-acid change (alanine 408 retained).
Molecular consequence: synonymous variant.
Genome position (GRCh38, 1-based): chr17:44,258,044, G>A on the plus strand (C>T on the coding strand, the complement: SLC4A1 is on the minus strand). VCF-style: chr17-44258044-G-A. GRCh37 (hg19) VCF-style: chr17-42335412-G-A.
Identifiers: ClinVar variation 2647828 (VCV002647828.27), dbSNP rs142226515, ClinGen allele CA8600345.

ClinVar aggregate classification (germline): Likely benign. Review status: criteria provided, multiple submitters, no conflicts (2 of 4 stars). 2 submissions from 2 submitters: Likely benign (2). Last evaluated 2025-12-14.

Allele frequency attached by ClinVar (database versions not stated): ExAC 0.00002; gnomAD 0.00002; TOPMed 0.00002; ESP Exome Variant Server 0.00008.
gnomAD v4.1: 139 of 1,613,898 alleles (0.0086%); highest among the groups gnomAD compares: Non-Finnish European, 0.011%; no homozygotes.

Submissions (2):

Labcorp Genetics (formerly Invitae), Labcorp
Classification: Likely benign. Last evaluated: 2025-12-14. Review status: criteria provided, single submitter. Criteria: Invitae Variant Classification Sherloc (09022015). Collection method: clinical testing. Allele origin: germline.

CeGaT Center for Human Genetics Tuebingen
Classification: Likely benign. Last evaluated: 2022-12-01. Review status: criteria provided, single submitter. Criteria: CeGaT Center For Human Genetics Tuebingen Variant Classification Criteria Version 2. Collection method: clinical testing. Allele origin: germline. Affected: yes. Observed: 1 variant allele.
Comment: SLC4A1: BP4, BP7